The following is an entry in ClinVar:

ClinVar aggregate classification (germline): Uncertain significance (1 of 4 stars; one submission).

gnomAD v4.1: 11 of 1,614,030 alleles (0.00068%); highest among the groups gnomAD compares: Non-Finnish European, 0.00093%; no homozygotes.

Submission:

Labcorp Genetics (formerly Invitae), Labcorp
Classification: Uncertain significance. Last evaluated: 2025-10-26. Review status: criteria provided, single submitter. Criteria: Invitae Variant Classification Sherloc (09022015). Collection method: clinical testing. Allele origin: germline.
Comment: This sequence change replaces serine, which is neutral and polar, with threonine, which is neutral and polar, at codon 1385 of the KMT2E protein (p.Ser1385Thr). This variant is present in population databases (no rsID available, gnomAD 0.002%). This variant has not been reported in the literature in individuals affected with KMT2E-related conditions. Invitae Evidence Modeling of protein sequence and biophysical properties (such as structural, functional, and spatial information, amino acid conservation, physicochemical variation, residue mobility, and thermodynamic stability) indicates that this missense variant is not expected to disrupt KMT2E protein function with a negative predictive value of 80%. In summary, the available evidence is currently insufficient to determine the role of this variant in disease. Therefore, it has been classified as a Variant of Uncertain Significance.

NM_182931.3(KMT2E):c.4154G>C (p.Ser1385Thr)

Gene: KMT2E (lysine methyltransferase 2E (inactive); plus strand). Cytogenetic location: 7q22.3.
Variant type: single nucleotide variant.
Coding change: c.4154G>C on transcript NM_182931.3 (MANE Select); coding-DNA position 4154, G replaced by C.
Protein change: p.Ser1385Thr; replaces serine 1385 with threonine.
Molecular consequence: missense variant.
Genome position (GRCh38, 1-based): chr7:105,111,910, G>C. VCF-style: chr7-105111910-G-C. GRCh37 (hg19) VCF-style: chr7-104752357-G-C.
Other names: c.4028G>C, p.Ser1343Thr (NM_001410908.1); c.4154G>C, p.Ser1385Thr (NM_018682.4); short protein forms S1343T, S1385T.
Identifiers: ClinVar variation 4775652 (VCV004775652.1).